The following is an entry in ClinVar:

NM_001999.4(FBN2):c.8635A>G (p.Lys2879Glu)

Gene: FBN2 (fibrillin 2; minus strand). Cytogenetic location: 5q23.3.
Variant type: single nucleotide variant.
Coding change: c.8635A>G on transcript NM_001999.4 (MANE Select); coding-DNA position 8635, A replaced by G.
Protein change: p.Lys2879Glu; replaces lysine 2879 with glutamic acid.
Molecular consequence: missense variant.
Genome position (GRCh38, 1-based): chr5:128,259,559, T>C on the plus strand (A>G on the coding strand, the complement: FBN2 is on the minus strand). VCF-style: chr5-128259559-T-C. GRCh37 (hg19) VCF-style: chr5-127595251-T-C.
Other names: short protein forms K2879E.
Identifiers: ClinVar variation 4881103 (VCV004881103.2).

ClinVar aggregate classification (germline): Uncertain significance (1 of 4 stars; one submission).

Submission:

Dasa
Classification: Uncertain significance. Last evaluated: 2024-09-24. Review status: criteria provided, single submitter. Criteria: DASA Assertion Criteria. Collection method: clinical testing. Allele origin: germline.
Comment: NM_001999.4(FBN2):c.8635A>G (p.Lys2879Glu) is a missense variant that results in the substitution of lysine with glutamic acid. This variant is absent from population databases. Computational prediction algorithms are consistent with a benign effect. The currently available literature and clinical evidence are not sufficient to establish a definitive association between this variant and the reported condition. Therefore, this variant is classified as a variant of uncertain significance.